The following is an entry in ClinVar:

NM_001110556.2(FLNA):c.2755G>A (p.Ala919Thr)

Gene: FLNA (filamin A; minus strand). Cytogenetic location: Xq28.
Variant type: single nucleotide variant.
Coding change: c.2755G>A on transcript NM_001110556.2 (MANE Select); coding-DNA position 2755, G replaced by A.
Protein change: p.Ala919Thr; replaces alanine 919 with threonine.
Molecular consequence: missense variant.
Genome position (GRCh38, 1-based): chrX:154,362,050, C>T on the plus strand (G>A on the coding strand, the complement: FLNA is on the minus strand). VCF-style: chrX-154362050-C-T. GRCh37 (hg19) VCF-style: chrX-153590418-C-T.
Other names: c.2755G>A, p.Ala919Thr (NM_001456.4); short protein forms A919T.
Identifiers: ClinVar variation 4526940 (VCV004526940.1).

ClinVar aggregate classification (germline): Uncertain significance (1 of 4 stars; one submission).

Submission:

GeneDx
Classification: Uncertain significance. Last evaluated: 2025-05-08. Review status: criteria provided, single submitter. Criteria: GeneDx Variant Classification Process June 2021. Collection method: clinical testing. Allele origin: germline. Affected: yes.
Comment: Not observed at significant frequency in large population cohorts (gnomAD); In silico analysis suggests that this missense variant does not alter protein structure/function; Has not been previously published as pathogenic or benign to our knowledge